The following is an entry in ClinVar:

NM_003001.5(SDHC):c.66C>G (p.Leu22=)

Gene: SDHC (succinate dehydrogenase complex subunit C; plus strand). Cytogenetic location: 1q23.3.
Variant type: single nucleotide variant.
Coding change: c.66C>G on transcript NM_003001.5 (MANE Select); coding-DNA position 66, C replaced by G.
Protein change: p.Leu22=; no amino-acid change (leucine 22 retained).
Molecular consequence: synonymous variant. On other transcripts: 5 prime UTR variant (2), non-coding transcript variant (1), intron variant (4).
Genome position (GRCh38, 1-based): chr1:161,323,659, C>G. VCF-style: chr1-161323659-C-G. GRCh37 (hg19) VCF-style: chr1-161293449-C-G.
Other names: c.66C>G, p.Leu22= (NM_001035511.3, NM_001035512.3, NM_001278172.3 and 2 more transcripts); c.-46C>G (NM_001407119.1); c.-164C>G (NM_001407120.1); c.21-4737C>G (NM_001407116.1, NM_001407121.1, NM_001407117.1); c.20+9234C>G (NM_001035513.3).
Identifiers: ClinVar variation 465979 (VCV000465979.19), dbSNP rs778965036, ClinGen allele CA421407326.

ClinVar aggregate classification (germline): Benign/Likely benign. Review status: criteria provided, multiple submitters, no conflicts (2 of 4 stars). 4 submissions from 4 submitters: Benign (1); Likely benign (3). Last evaluated 2026-01-29.

Conditions:
Pheochromocytoma/paraganglioma syndrome 3. Also called: SDHC-Related Hereditary Paraganglioma-Pheochromocytoma Syndrome (Paragangliomas 3); GLOMUS TUMORS, FAMILIAL, 3; SDHC-Related Hereditary Paraganglioma-Pheochromocytoma Syndrome; Paragangliomas 3. Identifiers: Orphanet 29072, MedGen C1854336, MONDO:0011544, OMIM 605373.
Gastrointestinal stromal tumor. Also called: Gastrointestinal stroma tumor; Gastrointestinal stromal tumor, somatic. Identifiers: Orphanet 44890, MedGen C0238198, MeSH D046152, MONDO:0011719, OMIM 606764, HP:0100723.
Hereditary cancer-predisposing syndrome. Also called: Tumor predisposition; Hereditary neoplastic syndrome; Neoplastic Syndromes, Hereditary; Hereditary Cancer Syndrome. Identifiers: Orphanet 140162, MedGen C0027672, MeSH D009386, MONDO:0015356.

Submissions (4):

Ambry Genetics
Classification: Likely benign for Hereditary cancer-predisposing syndrome. Last evaluated: 2026-01-29. Review status: criteria provided, single submitter. Criteria: Ambry Variant Classification Scheme 2023. Collection method: clinical testing. Allele origin: germline.

Labcorp Genetics (formerly Invitae), Labcorp
Classification: Likely benign for Pheochromocytoma/paraganglioma syndrome 3; Gastrointestinal stromal tumor. Last evaluated: 2025-06-12. Review status: criteria provided, single submitter. Criteria: Invitae Variant Classification Sherloc (09022015). Collection method: clinical testing. Allele origin: germline.

Myriad Genetics, Inc.
Classification: Benign for Pheochromocytoma/paraganglioma syndrome 3. Last evaluated: 2025-03-14. Review status: criteria provided, single submitter. Criteria: Myriad Autosomal Dominant, Autosomal Recessive and X-Linked Classification Criteria (2023). Collection method: clinical testing. Allele origin: unknown.
Comment: This variant is considered benign. This variant is a silent/synonymous amino acid change and it is not expected to impact splicing.

Center for Genomic Medicine, Rigshospitalet, Copenhagen University Hospital
Classification: Likely benign. Last evaluated: 2025-03-04. Review status: criteria provided, single submitter. Criteria: ACMG Guidelines, 2015. Collection method: clinical testing. Allele origin: germline.